The following is an entry in ClinVar:

NM_016239.4(MYO15A):c.9408G>A (p.Trp3136Ter)

Genes: MYO15A (myosin XVA; plus strand), LOC130060418 (ATAC-STARR-seq lymphoblastoid active region 11828; plus strand). Cytogenetic location: 17p11.2.
Variant type: single nucleotide variant.
Coding change: c.9408G>A on transcript NM_016239.4 (MANE Select); coding-DNA position 9408, G replaced by A.
Protein change: p.Trp3136Ter; replaces tryptophan 3136 with a stop codon.
Molecular consequence: nonsense.
Genome position (GRCh38, 1-based): chr17:18,161,338, G>A. VCF-style: chr17-18161338-G-A. GRCh37 (hg19) VCF-style: chr17-18064652-G-A.
Other names: short protein forms W3136*.
Identifiers: ClinVar variation 3601424 (VCV003601424.1).

ClinVar aggregate classification (germline): Likely pathogenic (1 of 4 stars; one submission).

Conditions:
Autosomal recessive nonsyndromic hearing loss 3. Also called: NEUROSENSORY NONSYNDROMIC RECESSIVE DEAFNESS 3. Identifiers: Orphanet 90636, MedGen C1838263, MONDO:0010860, OMIM 600316.

Submission:

Institute of Rare Diseases, West China Hospital, Sichuan University
Classification: Likely pathogenic for Autosomal recessive nonsyndromic hearing loss 3. Last evaluated: 2025-01-09. Review status: criteria provided, single submitter. Criteria: ClinGen HL ACMG Specifications v1. Collection method: research. Allele origin: germline. Affected: yes.
Comment: PVS1;PM2_Supporting